The following is an entry in ClinVar:

NM_006702.5(PNPLA6):c.-43+215A>T

Gene: PNPLA6 (patatin like domain 6, lysophospholipase; plus strand). Cytogenetic location: 19p13.2.
Variant type: single nucleotide variant.
Coding change: c.-43+215A>T on transcript NM_006702.5; 215 bases into the intron after 43 bases upstream of the start codon, A replaced by T.
Molecular consequence: intron variant.
Genome position (GRCh38, 1-based): chr19:7,535,117, A>T. VCF-style: chr19-7535117-A-T. GRCh37 (hg19) VCF-style: chr19-7600003-A-T.
Other names: c.-43+215A>T (NM_001166112.2, NM_001166111.2); c.-118-10A>T (NM_001166113.1).
Identifiers: ClinVar variation 1700443 (VCV001700443.2), dbSNP rs112541066, ClinGen allele CA304859320.
Genomic context (GRCh38, chr19:7,535,117, plus strand): 5'-CATTCAGTCTTCGACGGAGTAGGGGGTGCGGCCTGGGGGGTGGGGTGGTCAGGCTTGATC[A>T]ACCCTGCAGAGGGCAGTGACCCGGGAGGAAGTCACCAGGTGCAGAGGACCGTGCCCTGTG-3'

ClinVar aggregate classification (germline): Likely benign (1 of 4 stars; one submission).

Allele frequency attached by ClinVar (database versions not stated): TOPMed 0.00625; 1000 Genomes Project 30x 0.00781; gnomAD exomes 0.00082; 1000 Genomes Project 0.00699; gnomAD 0.00602 and 0.00559.
gnomAD v4.1: 948 of 282,348 alleles (0.34%); highest among the groups gnomAD compares: African/African-American, 1.9%; 10 homozygotes.

Submission:

GeneDx
Classification: Likely benign. Last evaluated: 2022-02-08. Review status: criteria provided, single submitter. Criteria: GeneDx Variant Classification Process June 2021. Collection method: clinical testing. Allele origin: germline. Affected: yes.
Comment: See Variant Classification Assertion Criteria.